The following is an entry in ClinVar:

NM_014055.4(IFT81):c.1214G>A (p.Arg405Gln)

Gene: IFT81 (intraflagellar transport 81; plus strand). Cytogenetic location: 12q24.11.
Variant type: single nucleotide variant.
Coding change: c.1214G>A on transcript NM_014055.4 (MANE Select); coding-DNA position 1214, G replaced by A.
Protein change: p.Arg405Gln; replaces arginine 405 with glutamine.
Molecular consequence: missense variant. On other transcripts: non-coding transcript variant (4).
Genome position (GRCh38, 1-based): chr12:110,180,447, G>A. VCF-style: chr12-110180447-G-A. GRCh37 (hg19) VCF-style: chr12-110618252-G-A.
Other names: c.1214G>A, p.Arg405Gln (NM_001143779.2); c.284G>A, p.Arg95Gln (NM_001347947.2, NM_001347948.2); short protein forms R95Q, R405Q.
Identifiers: ClinVar variation 1465062 (VCV001465062.6), dbSNP rs191403287, ClinGen allele CA243929769.

ClinVar aggregate classification (germline): Uncertain significance. Review status: criteria provided, multiple submitters, no conflicts (2 of 4 stars). 2 submissions from 2 submitters: Uncertain significance (2). Last evaluated 2024-11-18.

Allele frequency attached by ClinVar (database versions not stated): gnomAD 0.00001; gnomAD exomes 0.00001; TOPMed 0.00001; 1000 Genomes Project 30x 0.00016; 1000 Genomes Project 0.00020.

Submissions (2):

Labcorp Genetics (formerly Invitae), Labcorp
Classification: Uncertain significance. Last evaluated: 2024-11-18. Review status: criteria provided, single submitter. Criteria: Invitae Variant Classification Sherloc (09022015). Collection method: clinical testing. Allele origin: germline.
Comment: This sequence change replaces arginine, which is basic and polar, with glutamine, which is neutral and polar, at codon 405 of the IFT81 protein (p.Arg405Gln). This variant is present in population databases (rs191403287, gnomAD 0.007%). This variant has not been reported in the literature in individuals affected with IFT81-related conditions. ClinVar contains an entry for this variant (Variation ID: 1465062). Invitae Evidence Modeling of protein sequence and biophysical properties (such as structural, functional, and spatial information, amino acid conservation, physicochemical variation, residue mobility, and thermodynamic stability) indicates that this missense variant is expected to disrupt IFT81 protein function with a positive predictive value of 80%. In summary, the available evidence is currently insufficient to determine the role of this variant in disease. Therefore, it has been classified as a Variant of Uncertain Significance.

Blueprint Genetics
Classification: Uncertain significance. Last evaluated: 2024-09-16. Review status: criteria provided, single submitter. Criteria: ACMG Guidelines, 2015. Collection method: clinical testing. Allele origin: germline.